The following is an entry in ClinVar:

NM_001257096.2(PAX1):c.287-29del

Gene: PAX1 (paired box 1; plus strand). Cytogenetic location: 20p11.22.
Variant type: Deletion.
Coding change: c.287-29del on transcript NM_001257096.2 (MANE Select); 29 bases into the intron before coding-DNA position 287, one base deleted (C; older notation c.287-29delC).
Molecular consequence: intron variant.
Genome position (GRCh38, 1-based): chr20:21,706,409, C deleted; the last of 2 consecutive C bases (chr20:21,706,408-21,706,409); deleting either gives the same sequence. VCF-style (leftmost placement, unchanged base first): chr20-21706407-TC-T. GRCh37 (hg19) VCF-style: chr20-21687045-TC-T.
Other names: c.287-29del (NM_006192.5).
Identifiers: ClinVar variation 4880162 (VCV004880162.1).
Genomic context (GRCh38, chr20:21,706,407, plus strand): 5'-GGTGCAGTCCCTCGCTCCGCGTGGGGACCCTTGGCTAACCCGCCGGGTGTTTTCTCCCCC[TC>T]CGGCTCACTCTTGTCTGGCGCATCCGCAGAGCAGACGTATGGCGAGGTGAACCAGCTGGG-3'

ClinVar aggregate classification (germline): Likely pathogenic (1 of 4 stars; one submission).

Conditions:
Primary ciliary dyskinesia. Also called: Ciliary dyskinesia. Identifiers: Orphanet 244, MedGen C0008780, MONDO:0016575, HP:0012265.

Submission:

Department of Human Genetics, Hannover Medical School
Classification: Likely pathogenic for Primary Ciliary Dyskinesia. Last evaluated: 2026-04-01. Review status: criteria provided, single submitter. Criteria: ACMG Guidelines, 2015. Collection method: research. Allele origin: germline. Affected: no.
Comment: Classification performed by HerediClassify using the following criteria:['PM2_supporting: Variant occures does not occur as homozygous in gnomAD.', 'PVS1_protein_very_strong: Transcript ENST00000444366 is predicted to undergo NMD.']